The following is an entry in ClinVar:

NM_001123385.2(BCOR):c.4550T>C (p.Leu1517Pro)

Gene: BCOR (BCL6 corepressor; minus strand). Cytogenetic location: Xp11.4.
Variant type: single nucleotide variant.
Coding change: c.4550T>C on transcript NM_001123385.2 (MANE Select); coding-DNA position 4550, T replaced by C.
Protein change: p.Leu1517Pro; replaces leucine 1517 with proline.
Molecular consequence: missense variant.
Genome position (GRCh38, 1-based): chrX:40,057,200, A>G on the plus strand (T>C on the coding strand, the complement: BCOR is on the minus strand). VCF-style: chrX-40057200-A-G. GRCh37 (hg19) VCF-style: chrX-39916453-A-G.
Other names: c.4448T>C, p.Leu1483Pro (NM_001123383.2, NM_017745.6); c.4394T>C, p.Leu1465Pro (NM_001123384.2); short protein forms L1465P, L1517P, L1483P.
Identifiers: ClinVar variation 1347240 (VCV001347240.8), dbSNP rs765759611, ClinGen allele CA10386425.

ClinVar aggregate classification (germline): Uncertain significance (1 of 4 stars; one submission).

Conditions:
Oculofaciocardiodental syndrome (MCOPS2). Identifiers: Orphanet 2712, MedGen C1846265, MONDO:0010261, OMIM 300166.

Allele frequency attached by ClinVar (database versions not stated): ExAC 0.00001.

Submission:

Labcorp Genetics (formerly Invitae), Labcorp
Classification: Uncertain significance for Oculofaciocardiodental syndrome. Last evaluated: 2024-10-23. Review status: criteria provided, single submitter. Criteria: Invitae Variant Classification Sherloc (09022015). Collection method: clinical testing. Allele origin: germline.
Comment: This sequence change replaces leucine, which is neutral and non-polar, with proline, which is neutral and non-polar, at codon 1483 of the BCOR protein (p.Leu1483Pro). This variant is present in population databases (rs765759611, gnomAD 0.001%). This variant has not been reported in the literature in individuals affected with BCOR-related conditions. ClinVar contains an entry for this variant (Variation ID: 1347240). Invitae Evidence Modeling of protein sequence and biophysical properties (such as structural, functional, and spatial information, amino acid conservation, physicochemical variation, residue mobility, and thermodynamic stability) indicates that this missense variant is expected to disrupt BCOR protein function with a positive predictive value of 80%. In summary, the available evidence is currently insufficient to determine the role of this variant in disease. Therefore, it has been classified as a Variant of Uncertain Significance.